The following is an entry in ClinVar:

NM_001033044.4(GLUL):c.804-21C>T

Gene: GLUL (glutamate-ammonia ligase; minus strand). Cytogenetic location: 1q25.3.
Variant type: single nucleotide variant.
Coding change: c.804-21C>T on transcript NM_001033044.4 (MANE Select); 21 bases into the intron before coding-DNA position 804, C replaced by T.
Molecular consequence: intron variant.
Genome position (GRCh38, 1-based): chr1:182,384,744, G>A on the plus strand (C>T on the coding strand, the complement: GLUL is on the minus strand). VCF-style: chr1-182384744-G-A. GRCh37 (hg19) VCF-style: chr1-182353879-G-A.
Other names: p.?; c.804-21C>T (NM_002065.7, NM_001033056.4).
Identifiers: ClinVar variation 4683857 (VCV004683857.1).

ClinVar aggregate classification (germline): Likely benign (1 of 4 stars; one submission).

gnomAD v4.1: 89 of 1,594,302 alleles (0.0056%); highest among the groups gnomAD compares: Non-Finnish European, 0.0072%; no homozygotes.

Submission:

Mayo Clinic Laboratories, Mayo Clinic
Classification: Likely benign. Last evaluated: 2025-05-27. Review status: criteria provided, single submitter. Criteria: ACMG Guidelines, 2015. Collection method: clinical testing. Allele origin: germline. Observed: 1 variant allele.
Comment: PM2_supporting